The following is an entry in ClinVar:

NM_001626.6(AKT2):c.1169A>G (p.Lys390Arg)

Gene: AKT2 (AKT serine/threonine kinase 2; minus strand). Cytogenetic location: 19q13.2.
Variant type: single nucleotide variant.
Coding change: c.1169A>G on transcript NM_001626.6 (MANE Select); coding-DNA position 1169, A replaced by G.
Protein change: p.Lys390Arg; replaces lysine 390 with arginine.
Molecular consequence: missense variant.
Genome position (GRCh38, 1-based): chr19:40,235,896, T>C on the plus strand (A>G on the coding strand, the complement: AKT2 is on the minus strand). VCF-style: chr19-40235896-T-C. GRCh37 (hg19) VCF-style: chr19-40741803-T-C.
Other names: c.983A>G, p.Lys328Arg (NM_001243027.3, NM_001243028.3); c.1040A>G, p.Lys347Arg (NM_001330511.1); short protein forms K328R, K347R, K390R.
Identifiers: ClinVar variation 3600417 (VCV003600417.1).
Genomic context (GRCh38, chr19:40,235,896, plus strand): 5'-GGGACAGTGGCAGCAGCTGGCGCTGGGCTGGGTGGGGCCGACGCCAGCCCTCACCTCTGC[T>C]TGGGGTCCTTCTTAAGCAGCCCAGCAAGCAGGGACTTGGCCTCGGGGCTGAGCGTGCGCG-3'
Protein context (NP_001617.1, residues 380-400): LLAGLLKKDP[Lys390Arg]QRLGGGPSDA

ClinVar aggregate classification (germline): Uncertain significance (1 of 4 stars; one submission).

Conditions:
Type 2 diabetes mellitus. Also called: Type II diabetes mellitus. Identifiers: MedGen C0011860, MeSH D003924, MONDO:0005148, OMIM 125853, HP:0005978.

gnomAD v4.1: 3 of 1,610,120 alleles (0.00019%); highest among the groups gnomAD compares: Non-Finnish European, 0.00025%; no homozygotes.

Submission:

Clinical Genomics Laboratory, Washington University in St. Louis
Classification: Uncertain significance for Type 2 diabetes mellitus. Last evaluated: 2024-09-24. Review status: criteria provided, single submitter. Criteria: ACMG Guidelines, 2015. Collection method: clinical testing. Allele origin: germline.
Comment: An AKT2 c.1169A>G (p.Lys390Arg) variant was identified in a heterozygous state. This variant, to our knowledge, has not been reported in the medical literature and is absent from the general population (gnomAD v.2.1.1), indicating it is not a common variant. Due to limited information, and based on the ACMG/AMP guidelines for variant interpretation (Richards S et al., PMID: 25741868), the AKT2 c.1169A>G (p.Lys390Arg) variant is classified as a variant of uncertain significance at this time.